The following is an entry in ClinVar:

NM_006329.4(FBLN5):c.64A>G (p.Asn22Asp)

Gene: FBLN5 (fibulin 5; minus strand). Cytogenetic location: 14q32.12.
Variant type: single nucleotide variant.
Coding change: c.64A>G on transcript NM_006329.4 (MANE Select); coding-DNA position 64, A replaced by G.
Protein change: p.Asn22Asp; replaces asparagine 22 with aspartic acid.
Molecular consequence: missense variant. On other transcripts: 5 prime UTR variant (2).
Genome position (GRCh38, 1-based): chr14:91,942,915, T>C on the plus strand (A>G on the coding strand, the complement: FBLN5 is on the minus strand). VCF-style: chr14-91942915-T-C. GRCh37 (hg19) VCF-style: chr14-92409259-T-C.
Other names: c.64A>G, p.Asn22Asp (NM_001384158.1, NM_001384160.1); c.115A>G, p.Asn39Asp (NM_001384159.1); c.-206A>G (NM_001384161.1, NM_001384162.1); short protein forms N22D, N39D.
Identifiers: ClinVar variation 2420877 (VCV002420877.3), dbSNP rs1250230579, ClinGen allele CA390641427.

ClinVar aggregate classification (germline): Uncertain significance (1 of 4 stars; one submission).

Allele frequency attached by ClinVar (database versions not stated): gnomAD exomes below 0.00001.
gnomAD v4.1: 1 of 1,544,788 alleles (0.000065%); highest among the groups gnomAD compares: Admixed American, 0.002%; no homozygotes.

Submission:

Labcorp Genetics (formerly Invitae), Labcorp
Classification: Uncertain significance. Last evaluated: 2022-09-09. Review status: criteria provided, single submitter. Criteria: Invitae Variant Classification Sherloc (09022015). Collection method: clinical testing. Allele origin: germline.
Comment: This variant has not been reported in the literature in individuals affected with FBLN5-related conditions. Algorithms developed to predict the effect of missense changes on protein structure and function output the following: SIFT: "Tolerated"; PolyPhen-2: "Benign"; Align-GVGD: "Class C0". The aspartic acid amino acid residue is found in multiple mammalian species, which suggests that this missense change does not adversely affect protein function. In summary, the available evidence is currently insufficient to determine the role of this variant in disease. Therefore, it has been classified as a Variant of Uncertain Significance.